The following is an entry in ClinVar:

ClinVar aggregate classification (germline): Uncertain significance (1 of 4 stars; one submission).

gnomAD v4.1: 2 of 1,595,554 alleles (0.00013%); highest among the groups gnomAD compares: Admixed American, 0.0019%; no homozygotes.

Submission:

Labcorp Genetics (formerly Invitae), Labcorp
Classification: Uncertain significance. Last evaluated: 2024-08-28. Review status: criteria provided, single submitter. Criteria: Invitae Variant Classification Sherloc (09022015). Collection method: clinical testing. Allele origin: germline.
Comment: This sequence change replaces glycine, which is neutral and non-polar, with tryptophan, which is neutral and slightly polar, at codon 172 of the IRF9 protein (p.Gly172Trp). This variant is present in population databases (no rsID available, gnomAD 0.1%). This variant has not been reported in the literature in individuals affected with IRF9-related conditions. ClinVar contains an entry for this variant (Variation ID: 1355730). An algorithm developed to predict the effect of missense changes on protein structure and function (PolyPhen-2) suggests that this variant is likely to be tolerated. In summary, the available evidence is currently insufficient to determine the role of this variant in disease. Therefore, it has been classified as a Variant of Uncertain Significance.

NM_006084.5(IRF9):c.514G>T (p.Gly172Trp)

Gene: IRF9 (interferon regulatory factor 9; plus strand). Cytogenetic location: 14q12.
Variant type: single nucleotide variant.
Coding change: c.514G>T on transcript NM_006084.5 (MANE Select); coding-DNA position 514, G replaced by T.
Protein change: p.Gly172Trp; replaces glycine 172 with tryptophan.
Molecular consequence: missense variant.
Genome position (GRCh38, 1-based): chr14:24,163,896, G>T. VCF-style: chr14-24163896-G-T. GRCh37 (hg19) VCF-style: chr14-24633105-G-T.
Other names: c.514G>T, p.Gly172Trp (NM_001385400.1, NM_001385401.1, NM_001385402.1); short protein forms G172W.
Identifiers: ClinVar variation 1355730 (VCV001355730.8), dbSNP rs201838285, ClinGen allele CA389204723.